The following is an entry in ClinVar:

ClinVar aggregate classification (germline): Uncertain significance (1 of 4 stars; one submission).

Conditions:
Immunodeficiency, common variable, 1. Also called: ANTIBODY DEFICIENCY DUE TO ICOS DEFECT. Identifiers: Orphanet 1572, Orphanet 695183, MedGen C3149378, MONDO:0011864, OMIM 607594.

Submission:

Labcorp Genetics (formerly Invitae), Labcorp
Classification: Uncertain significance for Immunodeficiency, common variable, 1. Last evaluated: 2024-02-24. Review status: criteria provided, single submitter. Criteria: Invitae Variant Classification Sherloc (09022015). Collection method: clinical testing. Allele origin: germline.
Comment: This sequence change falls in intron 1 of the ICOS gene. It does not directly change the encoded amino acid sequence of the ICOS protein. It affects a nucleotide within the consensus splice site. This variant is not present in population databases (gnomAD no frequency). This variant has not been reported in the literature in individuals affected with ICOS-related conditions. ClinVar contains an entry for this variant (Variation ID: 1393631). Variants that disrupt the consensus splice site are a relatively common cause of aberrant splicing (PMID: 17576681, 9536098). Algorithms developed to predict the effect of sequence changes on RNA splicing suggest that this variant may disrupt the consensus splice site. In summary, the available evidence is currently insufficient to determine the role of this variant in disease. Therefore, it has been classified as a Variant of Uncertain Significance.

Literature cited by the submitters: PubMed 17576681; PubMed 9536098.

NM_012092.4(ICOS):c.58+4A>C

Gene: ICOS (inducible T cell costimulator; plus strand). Cytogenetic location: 2q33.2.
Variant type: single nucleotide variant.
Coding change: c.58+4A>C on transcript NM_012092.4 (MANE Select); 4 bases into the intron after coding-DNA position 58, A replaced by C.
Molecular consequence: intron variant.
Genome position (GRCh38, 1-based): chr2:203,936,876, A>C. VCF-style: chr2-203936876-A-C. GRCh37 (hg19) VCF-style: chr2-204801599-A-C.
Identifiers: ClinVar variation 1393631 (VCV001393631.6), dbSNP rs2105741117, ClinGen allele CA2573134361.
Genomic context (GRCh38, chr2:203,936,876, plus strand): 5'-TGAAGTCAGGCCTCTGGTATTTCTTTCTCTTCTGCTTGCGCATTAAAGTTTTAACAGGTA[A>C]GTGGTGTATTGAATATTTCTTATTAAGTTATAATTCAAGTAAACATTAAGAAAAAGCAAA-3'